The following is an entry in ClinVar:

ClinVar aggregate classification (germline): Uncertain significance (1 of 4 stars; one submission).

Submission:

Ambry Genetics
Classification: Uncertain significance. Last evaluated: 2022-03-24. Review status: criteria provided, single submitter. Criteria: Ambry Variant Classification Scheme 2023. Collection method: clinical testing. Allele origin: germline.
Comment: The p.G401A variant (also known as c.1202G>C), located in coding exon 9 of the FAM175A gene, results from a G to C substitution at nucleotide position 1202. The glycine at codon 401 is replaced by alanine, an amino acid with similar properties. This amino acid position is conserved. In addition, this alteration is predicted to be tolerated by in silico analysis. Since supporting evidence is limited at this time, the clinical significance of this alteration remains unclear.

NM_139076.3(ABRAXAS1):c.1202G>C (p.Gly401Ala)

Gene: ABRAXAS1 (abraxas 1, BRCA1 A complex subunit; minus strand). Cytogenetic location: 4q21.23.
Variant type: single nucleotide variant.
Coding change: c.1202G>C on transcript NM_139076.3 (MANE Select); coding-DNA position 1202, G replaced by C.
Protein change: p.Gly401Ala; replaces glycine 401 with alanine.
Molecular consequence: missense variant.
Genome position (GRCh38, 1-based): chr4:83,462,497, C>G on the plus strand (G>C on the coding strand, the complement: ABRAXAS1 is on the minus strand). VCF-style: chr4-83462497-C-G. GRCh37 (hg19) VCF-style: chr4-84383650-C-G.
Other names: c.875G>C, p.Gly292Ala (NM_001345962.2); short protein forms G292A, G401A.
Identifiers: ClinVar variation 1800078 (VCV001800078.2), dbSNP rs529156082, ClinGen allele CA357254896.
Genomic context (GRCh38, chr4:83,462,497, plus strand): 5'-AATAAAAAAATCTCCTTGTAAGGTTAAAAGGATCAAAATGTAGGAGACCGTGAATATTCA[C>G]CAAAACCCTTCATCTTTTCAATTTCTTCATCTGTTTCTGGGCTGCTCATTTTGGATGCTT-3'
Protein context (NP_620775.2, residues 391-409): DEEIEKMKGF[Gly401Ala]EYSRSPTF